The following is an entry in ClinVar:

NM_002529.4(NTRK1):c.1810C>T (p.His604Tyr)

Gene: NTRK1 (neurotrophic receptor tyrosine kinase 1; plus strand). Cytogenetic location: 1q23.1.
Variant type: single nucleotide variant.
Coding change: c.1810C>T on transcript NM_002529.4 (MANE Select); coding-DNA position 1810, C replaced by T.
Protein change: p.His604Tyr; replaces histidine 604 with tyrosine.
Molecular consequence: missense variant.
Genome position (GRCh38, 1-based): chr1:156,879,126, C>T. VCF-style: chr1-156879126-C-T. GRCh37 (hg19) VCF-style: chr1-156848918-C-T.
Other names: p.His598Tyr; c.1702C>T, p.His568Tyr (NM_001007792.1); c.1792C>T, p.His598Tyr (NM_001012331.2); short protein forms H598Y, H568Y, H604Y.
Identifiers: ClinVar variation 37077 (VCV000037077.53), dbSNP rs6336, ClinGen allele CA256274.

ClinVar aggregate classification (germline): Benign/Likely benign. Review status: criteria provided, multiple submitters, no conflicts (2 of 4 stars). 20 submissions from 20 submitters: Benign (8); Likely benign (5). 7 of the submissions do not count toward it. Last evaluated 2026-02-04.

Conditions:
Familial medullary thyroid carcinoma (MTC). Also called: Thyroid cancer, familial medullary; MTC, familial; Familial Medullary Thyroid Carcinoma (FMTC). Identifiers: Orphanet 653, Orphanet 99361, MedGen C1833921, MONDO:0007958, OMIM 155240.
Hereditary insensitivity to pain with anhidrosis (CIPA). Also called: INSENSITIVITY TO PAIN, CONGENITAL, WITH ANHIDROSIS; NEUROPATHY, CONGENITAL SENSORY, WITH ANHIDROSIS; FAMILIAL DYSAUTONOMIA, TYPE II; HSAN Type IV; hereditary sensory and autonomic neuropathy type 4; NTRK1 Congenital Insensitivity to Pain with Anhidrosis. Identifiers: Orphanet 642, MedGen C0020074, MONDO:0009746, OMIM 256800.

Allele frequency attached by ClinVar (database versions not stated): 1000 Genomes Project 0.02436; ExAC 0.04253; TOPMed 0.03655; gnomAD 0.03696 and 0.03751; 1000 Genomes Project 30x 0.02436; gnomAD exomes 0.04165 and 0.05498.
gnomAD v4.1: 85,958 of 1,613,612 alleles (5.3%); highest among the groups gnomAD compares: Non-Finnish European, 6%; 2,658 homozygotes.

Submissions (20):

Labcorp Genetics (formerly Invitae), Labcorp
Classification: Benign for Hereditary insensitivity to pain with anhidrosis. Last evaluated: 2026-02-04. Review status: criteria provided, single submitter. Criteria: Invitae Variant Classification Sherloc (09022015). Collection method: clinical testing. Allele origin: germline.

ARUP Laboratories, Molecular Genetics and Genomics, ARUP Laboratories
Classification: Benign for Hereditary insensitivity to pain with anhidrosis. Last evaluated: 2025-07-30. Review status: criteria provided, single submitter. Criteria: ARUP Molecular Germline Variant Investigation Process 2024. Collection method: clinical testing. Allele origin: germline.

Laboratory of Genetics, Children's Clinical University Hospital Latvia
Classification: Likely benign. Last evaluated: 2025-02-16. Review status: criteria provided, single submitter. Criteria: ACMG Guidelines, 2015. Collection method: clinical testing. Allele origin: germline. Affected: yes.

Department of Pathology and Laboratory Medicine, Sinai Health System
Classification: Benign for Hereditary insensitivity to pain with anhidrosis. Last evaluated: 2023-04-17. Review status: criteria provided, single submitter. Criteria: ACMG Guidelines, 2015. Collection method: research. Allele origin: germline.

Women's Health and Genetics/Laboratory Corporation of America, LabCorp
Classification: Likely benign. Last evaluated: 2021-12-10. Review status: criteria provided, single submitter. Criteria: LabCorp Variant Classification Summary - May 2015. Collection method: clinical testing. Allele origin: germline.

Genome-Nilou Lab
Classification: Benign for Hereditary insensitivity to pain with anhidrosis. Last evaluated: 2021-07-01. Review status: criteria provided, single submitter. Criteria: ACMG Guidelines, 2015. Collection method: clinical testing. Allele origin: germline. Affected: no.

Mendelics
Classification: Likely benign for Hereditary insensitivity to pain with anhidrosis. Last evaluated: 2019-05-28. Review status: criteria provided, single submitter. Criteria: Mendelics Assertion Criteria 2017. Collection method: clinical testing. Allele origin: unknown.

Athena Diagnostics
Classification: Benign. Last evaluated: 2017-10-05. Review status: criteria provided, single submitter. Criteria: Athena Diagnostics Criteria. Collection method: clinical testing. Allele origin: germline.

Illumina Laboratory Services, Illumina
Classification: Likely benign for Hereditary insensitivity to pain with anhidrosis. Last evaluated: 2017-04-27. Review status: criteria provided, single submitter. Criteria: ICSL Variant Classification Criteria 13 December 2019. Collection method: clinical testing. Allele origin: germline.
Comment: This variant was observed as part of a predisposition screen in an ostensibly healthy population. A literature search was performed for the gene, cDNA change, and amino acid change (where applicable). No publications were found based on this search. Allele frequency data from public databases allowed determination this variant is unlikely to cause disease. Therefore, this variant is classified as likely benign.

Eurofins Ntd Llc (ga)
Classification: Benign. Last evaluated: 2017-03-01. Review status: criteria provided, single submitter. Criteria: EGL Classification Definitions 2015. Collection method: clinical testing. Allele origin: germline. Observed: 1 variant allele, 1 heterozygote.

Mayo Clinic Laboratories, Mayo Clinic
Classification: Benign. Last evaluated: 2016-04-08. Review status: criteria provided, single submitter. Criteria: ACMG Guidelines, 2015. Collection method: clinical testing. Allele origin: germline. Observed: 192 variant alleles.

GeneDx
Classification: Benign. Last evaluated: 2015-03-03. Review status: criteria provided, single submitter. Criteria: GeneDx Variant Classification Process June 2021. Collection method: clinical testing. Allele origin: germline. Affected: yes.
Comment: This variant is associated with the following publications: (PMID: 27884173, 10330344, 21228398, 20981092, 19435634, 11719521, 18780967, 11159935, 22995991, 20003389)

Breakthrough Genomics
Classification: Likely benign. Review status: criteria provided, single submitter. Criteria: ACMG Guidelines, 2015. Collection method: not provided. Allele origin: germline. Inheritance: Autosomal recessive inheritance. Affected: yes.

Natera, Inc.
Classification: Benign for Hereditary insensitivity to pain with anhidrosis. Last evaluated: 2020-04-17. Review status: no assertion criteria provided. Collection method: clinical testing. Allele origin: germline. Not counted in ClinVar's aggregate classification.

OMIM
Classification: Pathogenic for THYROID CARCINOMA, FAMILIAL MEDULLARY. Last evaluated: 1999-08-01. Review status: no assertion criteria provided. Collection method: literature only. Allele origin: germline. Not counted in ClinVar's aggregate classification.

Clinical Genetics, Academic Medical Center
Classification: Benign. Review status: no assertion criteria provided. Collection method: clinical testing. Allele origin: germline. Affected: yes. Study: VKGL Data-share Consensus. Not counted in ClinVar's aggregate classification.

Diagnostic Laboratory, Department of Genetics, University Medical Center Groningen
Classification: Benign. Review status: no assertion criteria provided. Collection method: clinical testing. Allele origin: germline. Affected: yes. Study: VKGL Data-share Consensus. Not counted in ClinVar's aggregate classification.

GeneReviews
No classification provided. Condition: Hereditary insensitivity to pain with anhidrosis. Review status: no classification provided. Collection method: literature only. Allele origin: unknown. Not counted in ClinVar's aggregate classification.

Genome Diagnostics Laboratory, University Medical Center Utrecht
Classification: Likely benign. Review status: no assertion criteria provided. Collection method: clinical testing. Allele origin: germline. Affected: yes. Study: VKGL Data-share Consensus. Not counted in ClinVar's aggregate classification.

Joint Genome Diagnostic Labs from Nijmegen and Maastricht, Radboudumc and MUMC+
Classification: Benign. Review status: no assertion criteria provided. Collection method: clinical testing. Allele origin: germline. Affected: yes. Study: VKGL Data-share Consensus. Not counted in ClinVar's aggregate classification.

Literature cited by the submitters: PubMed 10330344 (cited by Eurofins Ntd Llc (ga) and GeneReviews); PubMed 11139246 (cited by Eurofins Ntd Llc (ga)); PubMed 11159935 (cited by Eurofins Ntd Llc (ga) and GeneReviews); PubMed 11719521 (cited by Eurofins Ntd Llc (ga)); PubMed 10443680 (cited by OMIM); PubMed 20301726 (cited by GeneReviews); NCBI Bookshelf NBK1769 (cited by GeneReviews).